The following is an entry in ClinVar:

NM_144639.3(UROC1):c.1209C>T (p.Tyr403=)

Gene: UROC1 (urocanate hydratase 1; minus strand). Cytogenetic location: 3q21.3.
Variant type: single nucleotide variant.
Coding change: c.1209C>T on transcript NM_144639.3 (MANE Select); coding-DNA position 1209, C replaced by T.
Protein change: p.Tyr403=; no amino-acid change (tyrosine 403 retained).
Molecular consequence: synonymous variant.
Genome position (GRCh38, 1-based): chr3:126,500,091, G>A on the plus strand (C>T on the coding strand, the complement: UROC1 is on the minus strand). VCF-style: chr3-126500091-G-A. GRCh37 (hg19) VCF-style: chr3-126218934-G-A.
Other names: c.1389C>T, p.Tyr463= (NM_001165974.2).
Identifiers: ClinVar variation 719662 (VCV000719662.29), dbSNP rs147353570, ClinGen allele CA2591151.

ClinVar aggregate classification (germline): Likely benign. Review status: criteria provided, multiple submitters, no conflicts (2 of 4 stars). 4 submissions from 4 submitters: Likely benign (4). Last evaluated 2024-11-26.

Allele frequency attached by ClinVar (database versions not stated): ESP Exome Variant Server 0.00023; 1000 Genomes Project 30x 0.00031; 1000 Genomes Project 0.00040; ExAC 0.00040; gnomAD 0.00048 and 0.00051; TOPMed 0.00056.
gnomAD v4.1: 881 of 1,613,788 alleles (0.055%); highest among the groups gnomAD compares: Admixed American, 0.19%; 1 homozygote.

Submissions (4):

Blueprint Genetics
Classification: Likely benign. Last evaluated: 2024-11-26. Review status: criteria provided, single submitter. Criteria: ACMG Guidelines, 2015. Collection method: clinical testing. Allele origin: germline.

Women's Health and Genetics/Laboratory Corporation of America, LabCorp
Classification: Likely benign. Last evaluated: 2023-10-13. Review status: criteria provided, single submitter. Criteria: LabCorp Variant Classification Summary - May 2015. Collection method: clinical testing. Allele origin: germline.

CeGaT Center for Human Genetics Tuebingen
Classification: Likely benign. Last evaluated: 2022-09-01. Review status: criteria provided, single submitter. Criteria: CeGaT Center For Human Genetics Tuebingen Variant Classification Criteria Version 2. Collection method: clinical testing. Allele origin: germline. Affected: yes. Observed: 1 variant allele.
Comment: UROC1: BP4, BP7

Labcorp Genetics (formerly Invitae), Labcorp
Classification: Likely benign. Last evaluated: 2019-12-31. Review status: criteria provided, single submitter. Criteria: Invitae Variant Classification Sherloc (09022015). Collection method: clinical testing. Allele origin: germline.